The following is an entry in ClinVar:

ClinVar aggregate classification (germline): Uncertain significance (1 of 4 stars; one submission).

Submission:

GeneDx
Classification: Uncertain significance. Last evaluated: 2026-04-03. Review status: criteria provided, single submitter. Criteria: GeneDx Variant Classification Process June 2021. Collection method: clinical testing. Allele origin: germline.
Comment: Not observed at significant frequency in large population cohorts (gnomAD); In silico analysis supports that this missense variant has a deleterious effect on protein structure/function; Has not been previously published as pathogenic or benign to our knowledge

NM_032656.4(DHX37):c.3080C>A (p.Pro1027His)

Gene: DHX37 (DEAH-box helicase 37; minus strand). Cytogenetic location: 12q24.31.
Variant type: single nucleotide variant.
Coding change: c.3080C>A on transcript NM_032656.4 (MANE Select); coding-DNA position 3080, C replaced by A.
Protein change: p.Pro1027His; replaces proline 1027 with histidine.
Molecular consequence: missense variant.
Genome position (GRCh38, 1-based): chr12:124,950,454, G>T on the plus strand (C>A on the coding strand, the complement: DHX37 is on the minus strand). VCF-style: chr12-124950454-G-T. GRCh37 (hg19) VCF-style: chr12-125435000-G-T.
Other names: short protein forms P1027H.
Identifiers: ClinVar variation 5018215 (VCV005018215.1).